The following is an entry in ClinVar:

ClinVar aggregate classification (germline): Uncertain significance (1 of 4 stars; one submission).

Submission:

Ambry Genetics
Classification: Uncertain significance. Last evaluated: 2026-08-05. Review status: criteria provided, single submitter. Criteria: Ambry Variant Classification Scheme 2023. Collection method: clinical testing. Allele origin: germline.
Comment: The c.838C>T (p.P280S) alteration is located in exon 8 (coding exon 7) of the USP42 gene. This alteration results from a C to T substitution at nucleotide position 838, causing the proline (P) at amino acid position 280 to be replaced by a serine (S). Based on data from gnomAD, the T allele has an overall frequency of 0.001% (2/249310) total alleles studied. The highest observed frequency was 0.006% (2/34522) of Latino alleles. Based on insufficient or conflicting evidence, the clinical significance of this alteration remains unclear.

NM_032172.3(USP42):c.838C>T (p.Pro280Ser)

Gene: USP42 (ubiquitin specific peptidase 42; plus strand). Cytogenetic location: 7p22.1.
Variant type: single nucleotide variant.
Coding change: c.838C>T on transcript NM_032172.3 (MANE Select); coding-DNA position 838, C replaced by T.
Protein change: p.Pro280Ser; replaces proline 280 with serine.
Molecular consequence: missense variant.
Genome position (GRCh38, 1-based): chr7:6,142,974, C>T. VCF-style: chr7-6142974-C-T. GRCh37 (hg19) VCF-style: chr7-6182605-C-T.
Other names: c.838C>T, p.Pro280Ser (NM_001365764.1, NM_001389650.1); short protein forms P280S.
Identifiers: ClinVar variation 5031653 (VCV005031653.1).